The following is an entry in ClinVar:

ClinVar aggregate classification (germline): Conflicting classifications of pathogenicity. Review status: criteria provided, conflicting classifications (1 of 4 stars). 3 submissions from 3 submitters: Uncertain significance (2); Likely benign (1). Last evaluated 2024-10-03.

Conditions:
Familial thoracic aortic aneurysm and aortic dissection (TAAD). Also called: Thoracic aortic aneurysms and dissections. Identifiers: Orphanet 91387, MedGen C4707243, MONDO:0019625.
Arterial tortuosity syndrome (ATORS). Identifiers: Orphanet 3342, MedGen C1859726, MONDO:0008818, OMIM 208050.

Allele frequency attached by ClinVar (database versions not stated): ESP Exome Variant Server 0.00008.
gnomAD v4.1: 39 of 1,614,198 alleles (0.0024%); highest among the groups gnomAD compares: Middle Eastern, 0.066%; no homozygotes.

Submissions (3):

Ambry Genetics
Classification: Likely benign for Familial thoracic aortic aneurysm and aortic dissection. Last evaluated: 2024-10-03. Review status: criteria provided, single submitter. Criteria: Ambry Variant Classification Scheme 2023. Collection method: clinical testing. Allele origin: germline.

Mayo Clinic Laboratories, Mayo Clinic
Classification: Uncertain significance. Last evaluated: 2024-06-25. Review status: criteria provided, single submitter. Criteria: ACMG Guidelines, 2015. Collection method: clinical testing. Allele origin: germline. Observed: 1 variant allele.

Labcorp Genetics (formerly Invitae), Labcorp
Classification: Uncertain significance for Arterial tortuosity syndrome. Last evaluated: 2022-06-11. Review status: criteria provided, single submitter. Criteria: Invitae Variant Classification Sherloc (09022015). Collection method: clinical testing. Allele origin: germline.
Comment: This sequence change replaces arginine, which is basic and polar, with tryptophan, which is neutral and slightly polar, at codon 388 of the SLC2A10 protein (p.Arg388Trp). This variant is present in population databases (rs374891798, gnomAD 0.01%). This variant has not been reported in the literature in individuals affected with SLC2A10-related conditions. Advanced modeling of protein sequence and biophysical properties (such as structural, functional, and spatial information, amino acid conservation, physicochemical variation, residue mobility, and thermodynamic stability) performed at Invitae indicates that this missense variant is not expected to disrupt SLC2A10 protein function. In summary, the available evidence is currently insufficient to determine the role of this variant in disease. Therefore, it has been classified as a Variant of Uncertain Significance.

Literature cited by the submitters: PubMed 35462107 (cited by Mayo Clinic Laboratories, Mayo Clinic).

NM_030777.4(SLC2A10):c.1162C>T (p.Arg388Trp)

Gene: SLC2A10 (solute carrier family 2 member 10; plus strand). Cytogenetic location: 20q13.12.
Variant type: single nucleotide variant.
Coding change: c.1162C>T on transcript NM_030777.4 (MANE Select); coding-DNA position 1162, C replaced by T.
Protein change: p.Arg388Trp; replaces arginine 388 with tryptophan.
Molecular consequence: missense variant.
Genome position (GRCh38, 1-based): chr20:46,726,198, C>T. VCF-style: chr20-46726198-C-T. GRCh37 (hg19) VCF-style: chr20-45354837-C-T.
Other names: p.Arg388Trp; c.1162C>T (NM_030777.3); short protein forms R388W.
Identifiers: ClinVar variation 2032248 (VCV002032248.3), dbSNP rs374891798, ClinGen allele CA9892112.
Genomic context (GRCh38, chr20:46,726,198, plus strand): 5'-TTGTCCACTGCTAAGAAAACCAAGCCCCATCCCAGATCTGGAGACCCCTCAGCCCCTCCT[C>T]GGCTGGCCCTGAGCTCTGCCCTCCCTGGGCCCCCTCTGCCCGCTCGGGGGCATGCACTGC-3'
Protein context (NP_110404.1, residues 378-398): PRSGDPSAPP[Arg388Trp]LALSSALPGP